The following is an entry in ClinVar:

NM_001127649.3(PEX26):c.905G>A (p.Arg302His)

Gene: PEX26 (peroxisomal biogenesis factor 26; plus strand). Cytogenetic location: 22q11.21.
Variant type: single nucleotide variant.
Coding change: c.905G>A on transcript NM_001127649.3 (MANE Select); coding-DNA position 905, G replaced by A.
Protein change: p.Arg302His; replaces arginine 302 with histidine.
Molecular consequence: missense variant.
Genome position (GRCh38, 1-based): chr22:18,088,062, G>A. VCF-style: chr22-18088062-G-A. GRCh37 (hg19) VCF-style: chr22-18570828-G-A.
Other names: c.758G>A, p.Arg253His (NM_001199319.2); c.905G>A, p.Arg302His (NM_017929.6); short protein forms R253H, R302H.
Identifiers: ClinVar variation 1951813 (VCV001951813.3), dbSNP rs774880307, ClinGen allele CA10093450.

ClinVar aggregate classification (germline): Uncertain significance (1 of 4 stars; one submission).

Conditions:
Peroxisome biogenesis disorder 7A (Zellweger). Also called: Peroxisome biogenesis disorder 7A. Identifiers: Orphanet 912, MedGen C3888385, MONDO:0013938, OMIM 614872.
Peroxisome biogenesis disorder 7B (PBD7B). Identifiers: Orphanet 44, MedGen C3553951, MONDO:0013939, OMIM 614873.

Allele frequency attached by ClinVar (database versions not stated): ExAC 0.00001; gnomAD 0.00001.
gnomAD v4.1: 7 of 1,609,002 alleles (0.00044%); highest among the groups gnomAD compares: Admixed American, 0.0017%; no homozygotes.

Submission:

Labcorp Genetics (formerly Invitae), Labcorp
Classification: Uncertain significance for Peroxisome biogenesis disorder 7A (Zellweger); Peroxisome biogenesis disorder 7B. Last evaluated: 2022-07-19. Review status: criteria provided, single submitter. Criteria: Invitae Variant Classification Sherloc (09022015). Collection method: clinical testing. Allele origin: germline.
Comment: In summary, the available evidence is currently insufficient to determine the role of this variant in disease. Therefore, it has been classified as a Variant of Uncertain Significance. Algorithms developed to predict the effect of missense changes on protein structure and function are either unavailable or do not agree on the potential impact of this missense change (SIFT: "Tolerated"; PolyPhen-2: "Possibly Damaging"; Align-GVGD: "Class C0"). This variant has not been reported in the literature in individuals affected with PEX26-related conditions. This variant is not present in population databases (gnomAD no frequency). This sequence change replaces arginine, which is basic and polar, with histidine, which is basic and polar, at codon 302 of the PEX26 protein (p.Arg302His).